The following is an entry in ClinVar:

ClinVar aggregate classification (germline): Uncertain significance. Review status: criteria provided, multiple submitters, no conflicts (2 of 4 stars). 4 submissions from 4 submitters: Uncertain significance (2). 2 of the submissions do not count toward it. Last evaluated 2024-01-03.

Conditions:
Inborn genetic diseases. Identifiers: MedGen C0950123, MeSH D030342.

Allele frequency attached by ClinVar (database versions not stated): gnomAD exomes below 0.00001.

Submissions (4):

Ambry Genetics
Classification: Uncertain significance for Inborn genetic diseases. Last evaluated: 2024-01-03. Review status: criteria provided, single submitter. Criteria: Ambry Variant Classification Scheme 2023. Collection method: clinical testing. Allele origin: germline.

Labcorp Genetics (formerly Invitae), Labcorp
Classification: Uncertain significance. Last evaluated: 2021-05-09. Review status: criteria provided, single submitter. Criteria: Invitae Variant Classification Sherloc (09022015). Collection method: clinical testing. Allele origin: germline.
Comment: This sequence change replaces serine with cysteine at codon 381 of the TPP1 protein (p.Ser381Cys). The serine residue is highly conserved and there is a moderate physicochemical difference between serine and cysteine. This variant is not present in population databases (ExAC no frequency). This variant has not been reported in the literature in individuals with TPP1-related conditions. Algorithms developed to predict the effect of missense changes on protein structure and function (SIFT, PolyPhen-2, Align-GVGD) all suggest that this variant is likely to be disruptive, but these predictions have not been confirmed by published functional studies and their clinical significance is uncertain. In summary, the available evidence is currently insufficient to determine the role of this variant in disease. Therefore, it has been classified as a Variant of Uncertain Significance.

Diagnostic Laboratory, Department of Genetics, University Medical Center Groningen
Classification: Uncertain significance. Review status: no assertion criteria provided. Collection method: clinical testing. Allele origin: germline. Affected: yes. Study: VKGL Data-share Consensus. Not counted in ClinVar's aggregate classification.

Genome Diagnostics Laboratory, University Medical Center Utrecht
Classification: Uncertain significance. Review status: no assertion criteria provided. Collection method: clinical testing. Allele origin: germline. Affected: yes. Study: VKGL Data-share Consensus. Not counted in ClinVar's aggregate classification.

NM_000391.4(TPP1):c.1142C>G (p.Ser381Cys)

Gene: TPP1 (tripeptidyl peptidase 1; minus strand). Cytogenetic location: 11p15.4.
Variant type: single nucleotide variant.
Coding change: c.1142C>G on transcript NM_000391.4 (MANE Select); coding-DNA position 1142, C replaced by G.
Protein change: p.Ser381Cys; replaces serine 381 with cysteine.
Molecular consequence: missense variant.
Genome position (GRCh38, 1-based): chr11:6,616,008, G>C on the plus strand (C>G on the coding strand, the complement: TPP1 is on the minus strand). VCF-style: chr11-6616008-G-C. GRCh37 (hg19) VCF-style: chr11-6637239-G-C.
Other names: short protein forms S381C.
Identifiers: ClinVar variation 960594 (VCV000960594.13), dbSNP rs1241569976, ClinGen allele CA379473644.